The following is an entry in ClinVar:

NM_000138.5(FBN1):c.1558C>T (p.Gln520Ter)

Gene: FBN1 (fibrillin 1; minus strand). Cytogenetic location: 15q21.1.
Variant type: single nucleotide variant.
Coding change: c.1558C>T on transcript NM_000138.5 (MANE Select); coding-DNA position 1558, C replaced by T.
Protein change: p.Gln520Ter; replaces glutamine 520 with a stop codon.
Molecular consequence: nonsense.
Genome position (GRCh38, 1-based): chr15:48,513,579, G>A on the plus strand (C>T on the coding strand, the complement: FBN1 is on the minus strand). VCF-style: chr15-48513579-G-A. GRCh37 (hg19) VCF-style: chr15-48805776-G-A.
Other names: short protein forms Q520*.
Identifiers: ClinVar variation 638556 (VCV000638556.6), dbSNP rs1597579923, ClinGen allele CA392342164.

ClinVar aggregate classification (germline): Pathogenic/Likely pathogenic. Review status: criteria provided, multiple submitters, no conflicts (2 of 4 stars). 3 submissions from 3 submitters: Pathogenic (2); Likely pathogenic (1). Last evaluated 2025-03-18.

Conditions:
Marfan syndrome (MFS). Also called: FBN1-Related Marfan Syndrome; Marfan syndrome type 1; Marfan's syndrome; Marfan syndrome, classic; MARFAN SYNDROME, TYPE I. Identifiers: Orphanet 284963, Orphanet 558, MedGen C0024796, MONDO:0007947, OMIM 154700.

Submissions (3):

GeneDx
Classification: Likely pathogenic. Last evaluated: 2025-03-18. Review status: criteria provided, single submitter. Criteria: GeneDx Variant Classification Process June 2021. Collection method: clinical testing. Allele origin: germline.
Comment: Has been reported in an individual with Marfan syndrome (Rogozhina (2015) DOI 10.15829/1560-4071 2015-10-61-64); Not observed at significant frequency in large population cohorts (gnomAD); Nonsense variant predicted to result in protein truncation or nonsense mediated decay in a gene for which loss of function is a known mechanism of disease; This variant is associated with the following publications: (PMID: Rumyantseva2016[article], Rogozhina_Article_2015)

Institute of Human Genetics Munich, TUM University Hospital
Classification: Pathogenic for Marfan syndrome. Last evaluated: 2022-07-08. Review status: criteria provided, single submitter. Criteria: Classification criteria August 2017. Collection method: clinical testing. Allele origin: germline. Inheritance: Autosomal dominant inheritance. Affected: yes. Observed: 1 variant allele.

Petrovsky National Research Centre of Surgery, The Federal Agency for Scientific Organizations
Classification: Pathogenic for Marfan syndrome. Last evaluated: 2016-10-10. Review status: criteria provided, single submitter. Criteria: ACMG Guidelines, 2015. Collection method: clinical testing. Allele origin: inherited. Inheritance: Autosomal dominant inheritance. Affected: yes. Observed: 1 heterozygote.
Comment: The observed p.Gln520* variant is absent from large population studies. Null variants (deletion, frameshift, stop-gain, etc) in FBN1 gene are known to be extremely intolerant and classified as LoF variants (with ExAC pLI = 1.00). Prediction programs like Provean and SIFT show Damaging result.